The following is an entry in ClinVar:

ClinVar aggregate classification (germline): Benign. Review status: criteria provided, multiple submitters, no conflicts (2 of 4 stars). 6 submissions from 6 submitters: Benign (6). Last evaluated 2026-02-04.

Conditions:
Tyrosinemia type II (TYRSN2). Also called: KERATOSIS PALMOPLANTARIS WITH CORNEAL DYSTROPHY; OREGON TYPE TYROSINEMIA; TAT DEFICIENCY; TYROSINE AMINOTRANSFERASE DEFICIENCY; TYROSINE TRANSAMINASE DEFICIENCY. Identifiers: Orphanet 28378, MedGen C0268487, MONDO:0010160, OMIM 276600.

Allele frequency attached by ClinVar (database versions not stated): gnomAD exomes 0.06371 and 0.06536; ExAC 0.06568; 1000 Genomes Project 0.07009; 1000 Genomes Project 30x 0.07183; gnomAD 0.07257 and 0.07372; TOPMed 0.07505; ESP Exome Variant Server 0.07718.
gnomAD v4.1: 106,553 of 1,613,964 alleles (6.6%); highest among the groups gnomAD compares: African/African-American, 10%; 3,809 homozygotes.

Submissions (6):

Labcorp Genetics (formerly Invitae), Labcorp
Classification: Benign for Tyrosinemia type II. Last evaluated: 2026-02-04. Review status: criteria provided, single submitter. Criteria: Invitae Variant Classification Sherloc (09022015). Collection method: clinical testing. Allele origin: germline.

Mayo Clinic Laboratories, Mayo Clinic
Classification: Benign. Last evaluated: 2021-04-07. Review status: criteria provided, single submitter. Criteria: ACMG Guidelines, 2015. Collection method: clinical testing. Allele origin: germline. Observed: 7 variant alleles.

Illumina Laboratory Services, Illumina
Classification: Benign for Tyrosinemia type II. Last evaluated: 2018-01-12. Review status: criteria provided, single submitter. Criteria: ICSL Variant Classification Criteria 13 December 2019. Collection method: clinical testing. Allele origin: germline.
Comment: This variant was observed in the ICSL laboratory as part of a predisposition screen in an ostensibly healthy population. It had not been previously curated by ICSL or reported in the Human Gene Mutation Database (HGMD: prior to June 1st, 2018), and was therefore a candidate for classification through an automated scoring system. Utilizing variant allele frequency, disease prevalence and penetrance estimates, and inheritance mode, an automated score was calculated to assess if this variant is too frequent to cause the disease. Based on the score and internal cut-off values, a variant classified as benign is not then subjected to further curation. The score for this variant resulted in a classification of benign for this disease.

GeneDx
Classification: Benign. Last evaluated: 2015-03-03. Review status: criteria provided, single submitter. Criteria: GeneDx Variant Classification Process June 2021. Collection method: clinical testing. Allele origin: germline. Affected: yes.

Breakthrough Genomics
Classification: Benign. Review status: criteria provided, single submitter. Criteria: ACMG Guidelines, 2015. Collection method: not provided. Allele origin: germline. Inheritance: Autosomal recessive inheritance. Affected: yes.

PreventionGenetics, part of Exact Sciences
Classification: Benign. Review status: criteria provided, single submitter. Criteria: ACMG Guidelines, 2015. Collection method: clinical testing. Allele origin: germline.

NM_000353.3(TAT):c.309G>A (p.Ser103=)

Gene: TAT (tyrosine aminotransferase; minus strand). Cytogenetic location: 16q22.2.
Variant type: single nucleotide variant.
Coding change: c.309G>A on transcript NM_000353.3 (MANE Select); coding-DNA position 309, G replaced by A.
Protein change: p.Ser103=; no amino-acid change (serine 103 retained).
Molecular consequence: synonymous variant.
Genome position (GRCh38, 1-based): chr16:71,575,953, C>T on the plus strand (G>A on the coding strand, the complement: TAT is on the minus strand). VCF-style: chr16-71575953-C-T. GRCh37 (hg19) VCF-style: chr16-71609856-C-T.
Other names: p.Ser103=.
Identifiers: ClinVar variation 255935 (VCV000255935.18), dbSNP rs78302875, ClinGen allele CA8154021.
Genomic context (GRCh38, chr16:71,575,953, plus strand): 5'-CCAGGTATGGAGTCTCAGGAGGAGCTTACCGATGGATGGGGCATAGCCATTATATTTGCC[C>T]GAGTCCAGGGCATCTTTCATTGCCTGGGTAACTTCAGGGTCTGTAGGCAGGTTTCCAAAC-3'
Protein context (NP_000344.1, residues 93-113): VTQAMKDALD[Ser103=]GKYNGYAPSI